The following is an entry in ClinVar:

ClinVar aggregate classification (germline): Likely benign (1 of 4 stars; one submission).

gnomAD v4.1: 984 of 1,614,114 alleles (0.061%); highest among the groups gnomAD compares: South Asian, 0.98%; 17 homozygotes.

Submission:

CeGaT Center for Human Genetics Tuebingen
Classification: Likely benign. Last evaluated: 2025-03-01. Review status: criteria provided, single submitter. Criteria: CeGaT Center For Human Genetics Tuebingen Variant Classification Criteria Version 2. Collection method: clinical testing. Allele origin: germline. Affected: yes. Observed: 1 variant allele.
Comment: TAF6: BP4, BP7, BS2

NM_139315.3(TAF6):c.324G>A (p.Glu108=)

Gene: TAF6 (TATA-box binding protein associated factor 6; minus strand). Cytogenetic location: 7q22.1.
Variant type: single nucleotide variant.
Coding change: c.324G>A on transcript NM_139315.3 (MANE Select); coding-DNA position 324, G replaced by A.
Protein change: p.Glu108=; no amino-acid change (glutamic acid 108 retained).
Molecular consequence: synonymous variant. On other transcripts: non-coding transcript variant (1).
Genome position (GRCh38, 1-based): chr7:100,113,689, C>T on the plus strand (G>A on the coding strand, the complement: TAF6 is on the minus strand). VCF-style: chr7-100113689-C-T. GRCh37 (hg19) VCF-style: chr7-99711312-C-T.
Other names: c.435G>A, p.Glu145= (NM_001190415.2); c.324G>A, p.Glu108= (NM_001364998.1, NM_001364999.1, NM_005641.4); c.294G>A, p.Glu98= (NM_001365000.1, NM_001365001.1, NM_001365002.1 and 1 more transcripts); c.462G>A, p.Glu154= (NM_001365004.1).
Identifiers: ClinVar variation 3778013 (VCV003778013.7).